The following is an entry in ClinVar:

ClinVar aggregate classification (germline): Uncertain significance (1 of 4 stars; one submission).

Conditions:
Long QT syndrome (LQTS). Identifiers: MedGen C0023976, MeSH D008133, MONDO:0002442. Disease mechanism: loss of function. Inheritance: Various modes of inheritance.

gnomAD v4.1: 1 of 1,611,058 alleles (0.000062%); no homozygotes.

Submission:

Labcorp Genetics (formerly Invitae), Labcorp
Classification: Uncertain significance for Long QT syndrome. Last evaluated: 2024-07-19. Review status: criteria provided, single submitter. Criteria: Invitae Variant Classification Sherloc (09022015). Collection method: clinical testing. Allele origin: germline.
Comment: This sequence change replaces glutamine, which is neutral and polar, with arginine, which is basic and polar, at codon 865 of the AKAP9 protein (p.Gln865Arg). This variant is present in population databases (no rsID available, gnomAD no frequency). This variant has not been reported in the literature in individuals affected with AKAP9-related conditions. An algorithm developed to predict the effect of missense changes on protein structure and function outputs the following: PolyPhen-2: "Benign". The arginine amino acid residue is found in multiple mammalian species, which suggests that this missense change does not adversely affect protein function. In summary, the available evidence is currently insufficient to determine the role of this variant in disease. Therefore, it has been classified as a Variant of Uncertain Significance.

NM_005751.5(AKAP9):c.2594A>G (p.Gln865Arg)

Gene: AKAP9 (A-kinase anchoring protein 9; plus strand). Cytogenetic location: 7q21.2.
Variant type: single nucleotide variant.
Coding change: c.2594A>G on transcript NM_005751.5 (MANE Select); coding-DNA position 2594, A replaced by G.
Protein change: p.Gln865Arg; replaces glutamine 865 with arginine.
Molecular consequence: missense variant.
Genome position (GRCh38, 1-based): chr7:92,002,511, A>G. VCF-style: chr7-92002511-A-G. GRCh37 (hg19) VCF-style: chr7-91631825-A-G.
Other names: c.2594A>G, p.Gln865Arg (NM_147185.3); short protein forms Q865R.
Identifiers: ClinVar variation 3699916 (VCV003699916.2).